The following is an entry in ClinVar:

NM_145068.3(TRPV3):c.-234C>T

Gene: TRPV3 (transient receptor potential cation channel subfamily V member 3; minus strand). Cytogenetic location: 17p13.2.
Variant type: single nucleotide variant.
Coding change: c.-234C>T on transcript NM_145068.3; 234 bases upstream of the start codon, C replaced by T.
Genome position (GRCh38, 1-based): chr17:3,557,907, G>A on the plus strand (C>T on the coding strand, the complement: TRPV3 is on the minus strand). VCF-style: chr17-3557907-G-A. GRCh37 (hg19) VCF-style: chr17-3461201-G-A.
Identifiers: ClinVar variation 322809 (VCV000322809.7), dbSNP rs568432604, ClinGen allele CA10645442.

ClinVar aggregate classification (germline): Benign (1 of 4 stars; one submission).

Conditions:
Isolated focal non-epidermolytic palmoplantar keratoderma. Also called: Palmoplantar keratoderma, nonepidermolytic, focal 2. Identifiers: Orphanet 448264, MedGen C4225339, MONDO:0014622, OMIM 616400.

Allele frequency attached by ClinVar (database versions not stated): gnomAD 0.00017; TOPMed 0.00050; 1000 Genomes Project 0.00120; 1000 Genomes Project 30x 0.00125.

Submission:

Illumina Laboratory Services, Illumina
Classification: Benign for Isolated focal non-epidermolytic palmoplantar keratoderma. Last evaluated: 2018-01-12. Review status: criteria provided, single submitter. Criteria: ICSL Variant Classification Criteria 13 December 2019. Collection method: clinical testing. Allele origin: germline.
Comment: This variant was observed in the ICSL laboratory as part of a predisposition screen in an ostensibly healthy population. It had not been previously curated by ICSL or reported in the Human Gene Mutation Database (HGMD: prior to June 1st, 2018), and was therefore a candidate for classification through an automated scoring system. Utilizing variant allele frequency, disease prevalence and penetrance estimates, and inheritance mode, an automated score was calculated to assess if this variant is too frequent to cause the disease. Based on the score and internal cut-off values, a variant classified as benign is not then subjected to further curation. The score for this variant resulted in a classification of benign for this disease.